The following is an entry in ClinVar:

ClinVar aggregate classification (germline): Benign. Review status: criteria provided, multiple submitters, no conflicts (2 of 4 stars). 3 submissions from 3 submitters: Benign (2). 1 of the submissions does not count toward it. Last evaluated 2017-12-19.

Conditions:
HDAC1-related disorder. Also called: HDAC1-related condition.

Allele frequency attached by ClinVar (database versions not stated): gnomAD exomes 0.00023 and 0.00058; ExAC 0.00065; 1000 Genomes Project 30x 0.00187; 1000 Genomes Project 0.00200; gnomAD 0.00262 and 0.00282; TOPMed 0.00284; ESP Exome Variant Server 0.00292.
gnomAD v4.1: 755 of 1,611,600 alleles (0.047%); highest among the groups gnomAD compares: African/African-American, 0.9%; 7 homozygotes.

Submissions (3):

Labcorp Genetics (formerly Invitae), Labcorp
Classification: Benign. Last evaluated: 2017-12-19. Review status: criteria provided, single submitter. Criteria: Invitae Variant Classification Sherloc (09022015). Collection method: clinical testing. Allele origin: germline.

Breakthrough Genomics
Classification: Benign. Review status: criteria provided, single submitter. Criteria: ACMG Guidelines, 2015. Collection method: not provided. Allele origin: germline. Inheritance: Unknown mechanism. Affected: yes.

PreventionGenetics, part of Exact Sciences
Classification: Benign for HDAC1-related condition. Last evaluated: 2019-03-08. Review status: no assertion criteria provided. Collection method: clinical testing. Allele origin: germline. Not counted in ClinVar's aggregate classification.
Comment: This variant is classified as benign based on ACMG/AMP sequence variant interpretation guidelines (Richards et al. 2015 PMID: 25741868, with internal and published modifications).

NM_004964.3(HDAC1):c.702C>T (p.Asp234=)

Gene: HDAC1 (histone deacetylase 1; plus strand). Cytogenetic location: 1p35.1.
Variant type: single nucleotide variant.
Coding change: c.702C>T on transcript NM_004964.3 (MANE Select); coding-DNA position 702, C replaced by T.
Protein change: p.Asp234=; no amino-acid change (aspartic acid 234 retained).
Molecular consequence: synonymous variant.
Genome position (GRCh38, 1-based): chr1:32,329,133, C>T. VCF-style: chr1-32329133-C-T. GRCh37 (hg19) VCF-style: chr1-32794734-C-T.
Identifiers: ClinVar variation 716272 (VCV000716272.6), dbSNP rs116148674, ClinGen allele CA741579.